The following is an entry in ClinVar:

ClinVar aggregate classification (germline): Uncertain significance (1 of 4 stars; one submission).

Conditions:
Charcot-Marie-Tooth disease X-linked dominant 6. Also called: CHARCOT-MARIE-TOOTH NEUROPATHY, X-LINKED DOMINANT, 6. Identifiers: Orphanet 352675, MedGen C3806702, MONDO:0010479, OMIM 300905.

Submission:

Labcorp Genetics (formerly Invitae), Labcorp
Classification: Uncertain significance for Charcot-Marie-Tooth disease X-linked dominant 6. Last evaluated: 2020-10-27. Review status: criteria provided, single submitter. Criteria: Invitae Variant Classification Sherloc (09022015). Collection method: clinical testing. Allele origin: germline.
Comment: This sequence change replaces lysine with threonine at codon 343 of the PDK3 protein (p.Lys343Thr). The lysine residue is moderately conserved and there is a moderate physicochemical difference between lysine and threonine. This variant is not present in population databases (ExAC no frequency). This variant has not been reported in the literature in individuals with PDK3-related conditions. Algorithms developed to predict the effect of missense changes on protein structure and function (SIFT, PolyPhen-2, Align-GVGD) all suggest that this variant is likely to be tolerated, but these predictions have not been confirmed by published functional studies and their clinical significance is uncertain. In summary, the available evidence is currently insufficient to determine the role of this variant in disease. Therefore, it has been classified as a Variant of Uncertain Significance.

NM_005391.5(PDK3):c.1028A>C (p.Lys343Thr)

Gene: PDK3 (pyruvate dehydrogenase kinase 3; plus strand). Cytogenetic location: Xp22.11.
Variant type: single nucleotide variant.
Coding change: c.1028A>C on transcript NM_005391.5 (MANE Select); coding-DNA position 1028, A replaced by C.
Protein change: p.Lys343Thr; replaces lysine 343 with threonine.
Molecular consequence: missense variant.
Genome position (GRCh38, 1-based): chrX:24,531,721, A>C. VCF-style: chrX-24531721-A-C. GRCh37 (hg19) VCF-style: chrX-24549838-A-C.
Other names: c.1028A>C, p.Lys343Thr (NM_001142386.3); short protein forms K343T.
Identifiers: ClinVar variation 1063907 (VCV001063907.9), dbSNP rs2148203320, ClinGen allele CA412603473.